The following is an entry in ClinVar:

NM_001166108.2(PALLD):c.1965-12549T>A

Gene: PALLD (palladin, cytoskeletal associated protein; plus strand). Cytogenetic location: 4q32.3.
Variant type: single nucleotide variant.
Coding change: c.1965-12549T>A on transcript NM_001166108.2 (MANE Select); 12549 bases into the intron before coding-DNA position 1965, T replaced by A.
Molecular consequence: intron variant. On other transcripts: missense variant (1).
Genome position (GRCh38, 1-based): chr4:168,878,373, T>A. VCF-style: chr4-168878373-T-A. GRCh37 (hg19) VCF-style: chr4-169799524-T-A.
Other names: c.482T>A, p.Leu161Gln (NM_001166110.2); c.1965-12549T>A (NM_016081.4); c.819-12549T>A (NM_001166109.2); c.-157-12549T>A (NM_001367570.1, NM_001367568.1, NM_001367567.1 and 1 more transcripts); short protein forms L161Q.
Identifiers: ClinVar variation 3413709 (VCV003413709.1).

ClinVar aggregate classification (germline): Uncertain significance (1 of 4 stars; one submission).

Submission:

Ambry Genetics
Classification: Uncertain significance. Last evaluated: 2024-12-02. Review status: criteria provided, single submitter. Criteria: Ambry Variant Classification Scheme 2023. Collection method: clinical testing. Allele origin: germline.
Comment: The p.L161Q variant (also known as c.482T>A), located in coding exon 1 of the PALLD gene, results from a T to A substitution at nucleotide position 482. The leucine at codon 161 is replaced by glutamine, an amino acid with dissimilar properties. This amino acid position is conserved. In addition, the in silico prediction for this alteration is inconclusive. Based on the available evidence, the clinical significance of this variant remains unclear.